The following is an entry in ClinVar:

NM_003611.3(OFD1):c.1513C>T (p.Gln505Ter)

Gene: OFD1 (OFD1 centriole and centriolar satellite protein; plus strand). Cytogenetic location: Xp22.2.
Variant type: single nucleotide variant.
Coding change: c.1513C>T on transcript NM_003611.3 (MANE Select); coding-DNA position 1513, C replaced by T.
Protein change: p.Gln505Ter; replaces glutamine 505 with a stop codon.
Molecular consequence: nonsense.
Genome position (GRCh38, 1-based): chrX:13,757,761, C>T. VCF-style: chrX-13757761-C-T. GRCh37 (hg19) VCF-style: chrX-13775880-C-T.
Other names: c.1393C>T, p.Gln465Ter (NM_001330209.2); c.1093C>T, p.Gln365Ter (NM_001330210.2); short protein forms Q365*, Q465*, Q505*.
Identifiers: ClinVar variation 3256647 (VCV003256647.1).

ClinVar aggregate classification (germline): Likely pathogenic (1 of 4 stars; one submission).

Conditions:
Orofaciodigital syndrome I (OFD1). Also called: Oral-Facial-Digital Syndrome Type I; OFDS I; Papillon-Leage and Psaume Syndrome. Identifiers: Orphanet 2750, MedGen C1510460, MONDO:0010702, OMIM 311200.

gnomAD v4.1: 1 of 1,210,733 alleles (0.000083%); highest among the groups gnomAD compares: Non-Finnish European, 0.00011%; no homozygotes.

Submission:

MVZ Medizinische Genetik Mainz
Classification: Likely pathogenic for Orofaciodigital syndrome I. Last evaluated: 2024-06-19. Review status: criteria provided, single submitter. Criteria: UK Practice Guidelines For Variant Classification V4 01 2020. Collection method: clinical testing. Allele origin: germline. Inheritance: X-linked dominant inheritance. Affected: yes. Observed: 1 variant allele.
Comment: ACMG Criteria: PVS1,PM2_SUP